The following is an entry in ClinVar:

NM_001486.4(GCKR):c.890G>A (p.Arg297Gln)

Gene: GCKR (glucokinase regulator; plus strand). Cytogenetic location: 2p23.3.
Variant type: single nucleotide variant.
Coding change: c.890G>A on transcript NM_001486.4 (MANE Select); coding-DNA position 890, G replaced by A.
Protein change: p.Arg297Gln; replaces arginine 297 with glutamine.
Molecular consequence: missense variant.
Genome position (GRCh38, 1-based): chr2:27,506,501, G>A. VCF-style: chr2-27506501-G-A. GRCh37 (hg19) VCF-style: chr2-27729368-G-A.
Other names: short protein forms R297Q.
Identifiers: ClinVar variation 2882240 (VCV002882240.3), dbSNP rs760427565, ClinGen allele CA1581768.
Genomic context (GRCh38, chr2:27,506,501, plus strand): 5'-GAATTGGGCCCTTCTTGAGAGCTGGTGGCTTTTCTCCCAGATGCCTCCTGGAAATCTTGC[G>A]GACATTTGAGCGAGCTCATCAGGTGACCTACAGCCAAAGCCCCAAGATTGCCACCCTGAT-3'
Protein context (NP_001477.2, residues 287-307): ASQRCLLEIL[Arg297Gln]TFERAHQVTY

ClinVar aggregate classification (germline): Uncertain significance (1 of 4 stars; one submission).

Allele frequency attached by ClinVar (database versions not stated): TOPMed 0.00001; gnomAD 0.00003.

Submission:

Labcorp Genetics (formerly Invitae), Labcorp
Classification: Uncertain significance. Last evaluated: 2023-12-31. Review status: criteria provided, single submitter. Criteria: Invitae Variant Classification Sherloc (09022015). Collection method: clinical testing. Allele origin: germline.
Comment: This sequence change replaces arginine, which is basic and polar, with glutamine, which is neutral and polar, at codon 297 of the GCKR protein (p.Arg297Gln). This variant is present in population databases (rs760427565, gnomAD 0.06%), and has an allele count higher than expected for a pathogenic variant. This variant has not been reported in the literature in individuals affected with GCKR-related conditions. Advanced modeling of protein sequence and biophysical properties (such as structural, functional, and spatial information, amino acid conservation, physicochemical variation, residue mobility, and thermodynamic stability) performed at Invitae indicates that this missense variant is not expected to disrupt GCKR protein function with a negative predictive value of 80%. In summary, the available evidence is currently insufficient to determine the role of this variant in disease. Therefore, it has been classified as a Variant of Uncertain Significance.